The following is an entry in ClinVar:

ClinVar aggregate classification (germline): Uncertain significance (1 of 4 stars; one submission).

Conditions:
Glucose-6-phosphate transport defect (GSD1B). Also called: Glycogen Storage Disease Type Ib; GSD Ib. Identifiers: Orphanet 364, Orphanet 79259, MedGen C0268146, MONDO:0009288, OMIM 232220.

Allele frequency attached by ClinVar (database versions not stated): gnomAD exomes below 0.00001; TOPMed 0.00001; ExAC 0.00002.

Submission:

Labcorp Genetics (formerly Invitae), Labcorp
Classification: Uncertain significance for Glucose-6-phosphate transport defect. Last evaluated: 2025-08-15. Review status: criteria provided, single submitter. Criteria: Invitae Variant Classification Sherloc (09022015). Collection method: clinical testing. Allele origin: germline.
Comment: This sequence change replaces threonine, which is neutral and polar, with isoleucine, which is neutral and non-polar, at codon 231 of the SLC37A4 protein (p.Thr231Ile). This variant is present in population databases (rs782220129, gnomAD 0.0009%). This variant has not been reported in the literature in individuals affected with SLC37A4-related conditions. ClinVar contains an entry for this variant (Variation ID: 1903930). Invitae Evidence Modeling of protein sequence and biophysical properties (such as structural, functional, and spatial information, amino acid conservation, physicochemical variation, residue mobility, and thermodynamic stability) indicates that this missense variant is not expected to disrupt SLC37A4 protein function with a negative predictive value of 80%. In summary, the available evidence is currently insufficient to determine the role of this variant in disease. Therefore, it has been classified as a Variant of Uncertain Significance.

NM_001164277.2(SLC37A4):c.692C>T (p.Thr231Ile)

Gene: SLC37A4 (solute carrier family 37 member 4; minus strand). Cytogenetic location: 11q23.3.
Variant type: single nucleotide variant.
Coding change: c.692C>T on transcript NM_001164277.2 (MANE Select); coding-DNA position 692, C replaced by T.
Protein change: p.Thr231Ile; replaces threonine 231 with isoleucine.
Molecular consequence: missense variant.
Genome position (GRCh38, 1-based): chr11:119,027,029, G>A on the plus strand (C>T on the coding strand, the complement: SLC37A4 is on the minus strand). VCF-style: chr11-119027029-G-A. GRCh37 (hg19) VCF-style: chr11-118897739-G-A.
Other names: c.692C>T, p.Thr231Ile (NM_001164278.2, NM_001164280.2, NM_001467.6); c.473C>T, p.Thr158Ile (NM_001164279.2); short protein forms T231I, T158I.
Identifiers: ClinVar variation 1903930 (VCV001903930.3), dbSNP rs782220129, ClinGen allele CA6311756.
Genomic context (GRCh38, chr11:119,027,029, plus strand): 5'-AGGAAGAACTGGCCCCAGTCAGTACAGCAGGTCTTTACTCCAAACACCACAAGGTAACCA[G>A]TGGAGAGCACCCACAGGTAAGGGGACAGCAGCAGCTCCTGCAGGGTGCTCTCCTCCTTCA-3'
Protein context (NP_001157749.1, residues 221-241): LLSPYLWVLS[Thr231Ile]GYLVVFGVKT